The following is an entry in ClinVar:

ClinVar aggregate classification (germline): Benign (1 of 4 stars; one submission).

Conditions:
Prostate cancer, hereditary, 9 (HPC9). Identifiers: Orphanet 1331, MedGen C1970250, MONDO:0012597, OMIM 610997.

Submission:

Myriad Genetics, Inc.
Classification: Benign for Prostate cancer, hereditary, 9. Last evaluated: 2024-10-31. Review status: criteria provided, single submitter. Criteria: Myriad Autosomal Dominant, Autosomal Recessive and X-Linked Classification Criteria (2023). Collection method: clinical testing. Allele origin: unknown.
Comment: This variant is considered benign. This variant is a silent/synonymous amino acid change and it is not expected to impact splicing.

NM_006361.6(HOXB13):c.741C>T (p.Arg247=)

Gene: HOXB13 (homeobox B13; minus strand). Cytogenetic location: 17q21.32.
Variant type: single nucleotide variant.
Coding change: c.741C>T on transcript NM_006361.6 (MANE Select); coding-DNA position 741, C replaced by T.
Protein change: p.Arg247=; no amino-acid change (arginine 247 retained).
Molecular consequence: synonymous variant.
Genome position (GRCh38, 1-based): chr17:48,726,904, G>A on the plus strand (C>T on the coding strand, the complement: HOXB13 is on the minus strand). VCF-style: chr17-48726904-G-A. GRCh37 (hg19) VCF-style: chr17-46804266-G-A.
Identifiers: ClinVar variation 3772990 (VCV003772990.1).